The following is an entry in ClinVar:

NM_020911.2(PLXNA4):c.2779G>T (p.Ala927Ser)

Gene: PLXNA4 (plexin A4; minus strand). Cytogenetic location: 7q32.3.
Variant type: single nucleotide variant.
Coding change: c.2779G>T on transcript NM_020911.2 (MANE Select); coding-DNA position 2779, G replaced by T.
Protein change: p.Ala927Ser; replaces alanine 927 with serine.
Molecular consequence: missense variant.
Genome position (GRCh38, 1-based): chr7:132,194,139, C>A on the plus strand (G>T on the coding strand, the complement: PLXNA4 is on the minus strand). VCF-style: chr7-132194139-C-A. GRCh37 (hg19) VCF-style: chr7-131878898-C-A.
Other names: c.2779G>T, p.Ala927Ser (NM_001393897.1); short protein forms A927S.
Identifiers: ClinVar variation 4999424 (VCV004999424.1).

ClinVar aggregate classification (germline): Uncertain significance (1 of 4 stars; one submission).

Conditions:
PLXNA4-related disorder. Also called: PLXNA4-related condition.

gnomAD v4.1: 7 of 1,613,974 alleles (0.00043%); highest among the groups gnomAD compares: Non-Finnish European, 0.00059%; no homozygotes.

Submission:

PreventionGenetics, part of Exact Sciences
Classification: Uncertain significance for PLXNA4-related condition. Last evaluated: 2026-07-06. Review status: criteria provided, single submitter. Criteria: ACMG Guidelines, 2015. Collection method: clinical testing. Allele origin: germline.
Comment: The PLXNA4 c.2779G>T variant is predicted to result in the amino acid substitution p.Ala927Ser. To our knowledge, this variant has not been reported in the literature. This variant is reported in 0.00088% of alleles in individuals of European (Non-Finnish) descent in gnomAD. At this time, the clinical significance of this variant is uncertain due to the absence of conclusive functional and genetic evidence.